The following is an entry in ClinVar:

NC_000023.11:g.(?_136648058)_(136659435_?)del

Genes: CD40LG (CD40 ligand; plus strand), LOC130068753 (ATAC-STARR-seq lymphoblastoid silent region 21028; plus strand). Cytogenetic location: Xq26.3.
Variant type: Deletion.
Identifiers: ClinVar variation 660153 (VCV000660153.2).

ClinVar aggregate classification (germline): Pathogenic (1 of 4 stars; one submission).

Conditions:
Hyper-IgM syndrome type 1. Also called: X-linked hyper-IgM syndrome; Immunodeficiency, X-linked, with hyper-IgM; CD40 Ligand Deficiency; Hyper-IgM Immunodeficiency Syndrome, Type 1. Identifiers: Orphanet 101088, MedGen C0398689, MONDO:0010626, OMIM 308230.

Submission:

Labcorp Genetics (formerly Invitae), Labcorp
Classification: Pathogenic for Immunodeficiency with hyper IgM type 1. Last evaluated: 2019-06-21. Review status: criteria provided, single submitter. Criteria: Invitae Variant Classification Sherloc (09022015). Collection method: clinical testing. Allele origin: germline.
Comment: A gross deletion of the genomic region encompassing the full coding sequence of the CD40LG gene has been identified. The boundaries of this event are unknown as the deletion extends beyond the assayed region for this gene and therefore may encompass additional genes. Similar gross deletions of CD40LG have been reported in individuals affected with hyper IgM syndrome (PMID: PMID: 15358621, 16019685). Loss-of-function variants in CD40LG are known to be pathogenic (PMID: 15319456). For these reasons, this variant has been classified as Pathogenic.

Literature cited by the submitters: PubMed 16019685; PubMed 15358621.